The following is an entry in ClinVar:

NM_014797.3(ZBTB24):c.301G>A (p.Ala101Thr)

Gene: ZBTB24 (zinc finger and BTB domain containing 24; minus strand). Cytogenetic location: 6q21.
Variant type: single nucleotide variant.
Coding change: c.301G>A on transcript NM_014797.3 (MANE Select); coding-DNA position 301, G replaced by A.
Protein change: p.Ala101Thr; replaces alanine 101 with threonine.
Molecular consequence: missense variant.
Genome position (GRCh38, 1-based): chr6:109,481,726, C>T on the plus strand (G>A on the coding strand, the complement: ZBTB24 is on the minus strand). VCF-style: chr6-109481726-C-T. GRCh37 (hg19) VCF-style: chr6-109802929-C-T.
Other names: c.301G>A, p.Ala101Thr (NM_001164313.2); short protein forms A101T.
Identifiers: ClinVar variation 570181 (VCV000570181.9), dbSNP rs144189559, ClinGen allele CA3954368.
Genomic context (GRCh38, chr6:109,481,726, plus strand): 5'-GGTCATAGACTTTTAAGAACTGAGCAGTAGCCAGGATTTGTTCTGTACTTTTCTCACTGG[C>T]ATGGAGATAACCTGTGTAGATAAATTCCAGCAGGATACCAAAGGTGTCTGCAACCATGCC-3'
Protein context (NP_055612.2, residues 91-111): LEFIYTGYLH[Ala101Thr]SEKSTEQILA

ClinVar aggregate classification (germline): Uncertain significance (1 of 4 stars; one submission).

Conditions:
Immunodeficiency-centromeric instability-facial anomalies syndrome 2 (ICF2). Identifiers: Orphanet 2268, MedGen C3279748, MONDO:0013553, OMIM 614069.

Allele frequency attached by ClinVar (database versions not stated): ExAC 0.00017; gnomAD exomes 0.00017 and 0.00034; gnomAD 0.00027 and 0.00028; TOPMed 0.00028; ESP Exome Variant Server 0.00031.
gnomAD v4.1: 535 of 1,614,088 alleles (0.033%); highest among the groups gnomAD compares: Non-Finnish European, 0.042%; no homozygotes.

Submission:

Labcorp Genetics (formerly Invitae), Labcorp
Classification: Uncertain significance for Immunodeficiency-centromeric instability-facial anomalies syndrome 2. Last evaluated: 2022-07-03. Review status: criteria provided, single submitter. Criteria: Invitae Variant Classification Sherloc (09022015). Collection method: clinical testing. Allele origin: germline.
Comment: This sequence change replaces alanine, which is neutral and non-polar, with threonine, which is neutral and polar, at codon 101 of the ZBTB24 protein (p.Ala101Thr). This variant is present in population databases (rs144189559, gnomAD 0.03%). This missense change has been observed in individual(s) with immunodeficiency-centromeric instability-facial anomalies syndrome (PMID: 33995370). ClinVar contains an entry for this variant (Variation ID: 570181). Algorithms developed to predict the effect of missense changes on protein structure and function output the following: SIFT: "Not Available"; PolyPhen-2: "Benign"; Align-GVGD: "Not Available". The threonine amino acid residue is found in multiple mammalian species, which suggests that this missense change does not adversely affect protein function. In summary, the available evidence is currently insufficient to determine the role of this variant in disease. Therefore, it has been classified as a Variant of Uncertain Significance.

Literature cited by the submitters: PubMed 33995370.